The following is an entry in ClinVar:

ClinVar aggregate classification (germline): Uncertain significance (1 of 4 stars; one submission).

Conditions:
Inborn genetic diseases. Identifiers: MedGen C0950123, MeSH D030342.

Allele frequency attached by ClinVar (database versions not stated): gnomAD exomes below 0.00001.
gnomAD v4.1: 1 of 1,614,218 alleles (0.000062%); highest among the groups gnomAD compares: Non-Finnish European, 0.000085%; no homozygotes.

Submission:

Ambry Genetics
Classification: Uncertain significance for Inborn genetic diseases. Last evaluated: 2022-12-26. Review status: criteria provided, single submitter. Criteria: Ambry Variant Classification Scheme 2023. Collection method: clinical testing. Allele origin: germline.
Comment: The p.G213S variant (also known as c.637G>A), located in coding exon 6 of the EPAS1 gene, results from a G to A substitution at nucleotide position 637. The glycine at codon 213 is replaced by serine, an amino acid with similar properties. This amino acid position is conserved. In addition, this alteration is predicted to be tolerated by in silico analysis. Since supporting evidence is limited at this time, the clinical significance of this alteration remains unclear.

NM_001430.5(EPAS1):c.637G>A (p.Gly213Ser)

Genes: EPAS1 (endothelial PAS domain protein 1; plus strand), LOC126806210 (BRD4-independent group 4 enhancer GRCh37_chr2:46587586-46588785; plus strand). Cytogenetic location: 2p21.
Variant type: single nucleotide variant.
Coding change: c.637G>A on transcript NM_001430.5 (MANE Select); coding-DNA position 637, G replaced by A.
Protein change: p.Gly213Ser; replaces glycine 213 with serine.
Molecular consequence: missense variant.
Genome position (GRCh38, 1-based): chr2:46,360,948, G>A. VCF-style: chr2-46360948-G-A. GRCh37 (hg19) VCF-style: chr2-46588087-G-A.
Other names: short protein forms G213S.
Identifiers: ClinVar variation 2450308 (VCV002450308.2), dbSNP rs756550228, ClinGen allele CA46545551.